The following is an entry in ClinVar:

NM_207122.2(EXT2):c.1111T>C (p.Ser371Pro)

Gene: EXT2 (exostosin glycosyltransferase 2; plus strand). Cytogenetic location: 11p11.2.
Variant type: single nucleotide variant.
Coding change: c.1111T>C on transcript NM_207122.2 (MANE Select); coding-DNA position 1111, T replaced by C.
Protein change: p.Ser371Pro; replaces serine 371 with proline.
Molecular consequence: missense variant.
Genome position (GRCh38, 1-based): chr11:44,130,076, T>C. VCF-style: chr11-44130076-T-C. GRCh37 (hg19) VCF-style: chr11-44151626-T-C.
Other names: c.1210T>C, p.Ser404Pro (NM_000401.3); c.1111T>C, p.Ser371Pro (NM_001178083.3, NM_001389628.1, NM_001389630.1); short protein forms S371P, S404P.
Identifiers: ClinVar variation 5018984 (VCV005018984.2).

ClinVar aggregate classification (germline): Uncertain significance (1 of 4 stars; one submission).

Conditions:
Seizures-scoliosis-macrocephaly syndrome. Also called: SEIZURES, SCOLIOSIS, AND MACROCEPHALY/MICROCEPHALY SYNDROME; Seizures, scoliosis, and macrocephaly syndrome. Identifiers: Orphanet 466926, MedGen C4225248, MONDO:0014731, OMIM 616682.
Exostoses, multiple, type 2 (EXT2). Also called: Hereditary Multiple Osteochondromatosis, Type II; EXOSTOSES, MULTIPLE, TYPE II. Identifiers: Orphanet 321, MedGen C1851413, MONDO:0007586, OMIM 133701.

Submission:

Juno Genomics, Hangzhou Juno Genomics, Inc
Classification: Uncertain significance for Seizures-scoliosis-macrocephaly syndrome; Exostoses, multiple, type 2. Review status: criteria provided, single submitter. Criteria: ACMG Guidelines, 2015. Collection method: clinical testing. Allele origin: germline.
Comment: Absent from controls (or at extremely low frequency if recessive) in Genome Aggregation Database.